The following is an entry in ClinVar:

NM_000065.5(C6):c.2185G>A (p.Glu729Lys)

Gene: C6 (complement C6; minus strand). Cytogenetic location: 5p13.1.
Variant type: single nucleotide variant.
Coding change: c.2185G>A on transcript NM_000065.5 (MANE Select); coding-DNA position 2185, G replaced by A.
Protein change: p.Glu729Lys; replaces glutamic acid 729 with lysine.
Molecular consequence: missense variant.
Genome position (GRCh38, 1-based): chr5:41,153,915, C>T on the plus strand (G>A on the coding strand, the complement: C6 is on the minus strand). VCF-style: chr5-41153915-C-T. GRCh37 (hg19) VCF-style: chr5-41154017-C-T.
Other names: c.2185G>A, p.Glu729Lys (NM_001115131.4); short protein forms E729K.
Identifiers: ClinVar variation 2000727 (VCV002000727.4), dbSNP rs545743707, ClinGen allele CA3252189.

ClinVar aggregate classification (germline): Uncertain significance (1 of 4 stars; one submission).

Allele frequency attached by ClinVar (database versions not stated): TOPMed below 0.00001; gnomAD 0.00001; gnomAD exomes 0.00001; ExAC 0.00004; 1000 Genomes Project 0.00020; 1000 Genomes Project 30x 0.00031.
gnomAD v4.1: 13 of 1,613,720 alleles (0.00081%); highest among the groups gnomAD compares: South Asian, 0.013%; no homozygotes.

Submission:

Labcorp Genetics (formerly Invitae), Labcorp
Classification: Uncertain significance. Last evaluated: 2022-05-29. Review status: criteria provided, single submitter. Criteria: Invitae Variant Classification Sherloc (09022015). Collection method: clinical testing. Allele origin: germline.
Comment: Algorithms developed to predict the effect of missense changes on protein structure and function output the following: SIFT: "Tolerated"; PolyPhen-2: "Benign"; Align-GVGD: "Class C0". The lysine amino acid residue is found in multiple mammalian species, which suggests that this missense change does not adversely affect protein function. This variant has not been reported in the literature in individuals affected with C6-related conditions. This variant is present in population databases (rs545743707, gnomAD 0.02%). This sequence change replaces glutamic acid, which is acidic and polar, with lysine, which is basic and polar, at codon 729 of the C6 protein (p.Glu729Lys). In summary, the available evidence is currently insufficient to determine the role of this variant in disease. Therefore, it has been classified as a Variant of Uncertain Significance.